The following is an entry in ClinVar:

NM_000642.3(AGL):c.2903A>G (p.Asp968Gly)

Gene: AGL (amylo-alpha-1,6-glucosidase and 4-alpha-glucanotransferase; plus strand). Cytogenetic location: 1p21.2.
Variant type: single nucleotide variant.
Coding change: c.2903A>G on transcript NM_000642.3 (MANE Select); coding-DNA position 2903, A replaced by G.
Protein change: p.Asp968Gly; replaces aspartic acid 968 with glycine.
Molecular consequence: missense variant.
Genome position (GRCh38, 1-based): chr1:99,891,310, A>G. VCF-style: chr1-99891310-A-G. GRCh37 (hg19) VCF-style: chr1-100356866-A-G.
Other names: c.2882A>G, p.Asp961Gly (NM_001425326.1); c.2702A>G, p.Asp901Gly (NM_001425327.1); c.2699A>G, p.Asp900Gly (NM_001425328.1); c.2564A>G, p.Asp855Gly (NM_001425329.1); c.2525A>G, p.Asp842Gly (NM_001425332.1); c.2903A>G, p.Asp968Gly (NM_000028.3, NM_000643.3, NM_000644.3 and 1 more transcripts); c.2855A>G, p.Asp952Gly (NM_000646.3); short protein forms D968G, D952G, D842G, D855G, D900G, D901G, D961G.
Identifiers: ClinVar variation 574048 (VCV000574048.13), dbSNP rs1447342458, ClinGen allele CA341325226.

ClinVar aggregate classification (germline): Uncertain significance. Review status: criteria provided, single submitter (1 of 4 stars). 2 submissions from 2 submitters: Uncertain significance (1). 1 of the submissions does not count toward it. Last evaluated 2021-08-30.

Conditions:
Glycogen storage disease type III (GSD3). Also called: Cori disease; FORBES DISEASE. Identifiers: Orphanet 366, MedGen C0017922, MONDO:0009291, OMIM 232400.

Allele frequency attached by ClinVar (database versions not stated): gnomAD 0.00001; TOPMed 0.00001.
gnomAD v4.1: 1 of 1,613,690 alleles (0.000062%); highest among the groups gnomAD compares: Non-Finnish European, 0.000085%; no homozygotes.

Submissions (2):

Labcorp Genetics (formerly Invitae), Labcorp
Classification: Uncertain significance for Glycogen storage disease type III. Last evaluated: 2021-08-30. Review status: criteria provided, single submitter. Criteria: Invitae Variant Classification Sherloc (09022015). Collection method: clinical testing. Allele origin: germline.
Comment: This sequence change replaces aspartic acid with glycine at codon 968 of the AGL protein (p.Asp968Gly). The aspartic acid residue is highly conserved and there is a moderate physicochemical difference between aspartic acid and glycine. This variant is not present in population databases (ExAC no frequency). This variant has not been reported in the literature in individuals affected with AGL-related conditions. Algorithms developed to predict the effect of missense changes on protein structure and function are either unavailable or do not agree on the potential impact of this missense change (SIFT: "Deleterious"; PolyPhen-2: "Possibly Damaging"; Align-GVGD: "Class C0"). In summary, the available evidence is currently insufficient to determine the role of this variant in disease. Therefore, it has been classified as a Variant of Uncertain Significance.

Natera, Inc.
Classification: Uncertain significance for Glycogen storage disease type III. Last evaluated: 2020-08-03. Review status: no assertion criteria provided. Collection method: clinical testing. Allele origin: germline. Not counted in ClinVar's aggregate classification.